The following is an entry in ClinVar:

ClinVar aggregate classification (germline): Uncertain significance (1 of 4 stars; one submission).

Conditions:
Hereditary cancer-predisposing syndrome. Also called: Neoplastic Syndromes, Hereditary; Tumor predisposition; Hereditary neoplastic syndrome; Hereditary Cancer Syndrome. Identifiers: Orphanet 140162, MedGen C0027672, MeSH D009386, MONDO:0015356.

Submission:

Ambry Genetics
Classification: Uncertain significance for Hereditary cancer-predisposing syndrome. Last evaluated: 2026-07-07. Review status: criteria provided, single submitter. Criteria: Ambry Variant Classification Scheme 2023. Collection method: clinical testing. Allele origin: germline.
Comment: The p.S235T variant (also known as c.703T>A), located in coding exon 4 of the BARD1 gene, results from a T to A substitution at nucleotide position 703. The serine at codon 235 is replaced by threonine, an amino acid with similar properties. This amino acid position is conserved. In addition, this alteration is predicted to be tolerated by in silico analysis. Based on the available evidence, the clinical significance of this variant remains unclear.

NM_000465.4(BARD1):c.703T>A (p.Ser235Thr)

Gene: BARD1 (BRCA1 associated RING domain 1; minus strand). Cytogenetic location: 2q35.
Variant type: single nucleotide variant.
Coding change: c.703T>A on transcript NM_000465.4 (MANE Select); coding-DNA position 703, T replaced by A.
Protein change: p.Ser235Thr; replaces serine 235 with threonine.
Molecular consequence: missense variant. On other transcripts: non-coding transcript variant (2), intron variant (3).
Genome position (GRCh38, 1-based): chr2:214,781,171, A>T on the plus strand (T>A on the coding strand, the complement: BARD1 is on the minus strand). VCF-style: chr2-214781171-A-T. GRCh37 (hg19) VCF-style: chr2-215645895-A-T.
Other names: c.646T>A, p.Ser216Thr (NM_001282543.2); c.158+28241T>A (NM_001282548.2); c.215+15890T>A (NM_001282545.2); c.364+11126T>A (NM_001282549.2); short protein forms S216T, S235T.
Identifiers: ClinVar variation 5032803 (VCV005032803.1).
Genomic context (GRCh38, chr2:214,781,171, plus strand): 5'-TTATCTGAGGACTGGAGATAACAGATGGTTGGCTACAGAAGGATACCAGCTTTTGCTTAG[A>T]TTCCTCTTTGGAGTCAAATTCACCATCTTCTTTTTCTGCCTCTAAATTCCATTTTTGGTT-3'
Protein context (NP_000456.2, residues 225-245): EDGEFDSKEE[Ser235Thr]KQKLVSFCSQ